The following is an entry in ClinVar:

ClinVar aggregate classification (germline): Uncertain significance. Review status: criteria provided, multiple submitters, no conflicts (2 of 4 stars). 2 submissions from 2 submitters: Uncertain significance (2). Last evaluated 2025-02-25.

Conditions:
Inborn genetic diseases. Identifiers: MedGen C0950123, MeSH D030342.

Allele frequency attached by ClinVar (database versions not stated): gnomAD 0.00001; gnomAD exomes 0.00001 and 0.00002; TOPMed 0.00001; ExAC 0.00002; 1000 Genomes Project 30x 0.00016; 1000 Genomes Project 0.00020.

Submissions (2):

Ambry Genetics
Classification: Uncertain significance for Inborn genetic diseases. Last evaluated: 2025-02-25. Review status: criteria provided, single submitter. Criteria: Ambry Variant Classification Scheme 2023. Collection method: clinical testing. Allele origin: germline.

Laboratory for Molecular Medicine, Mass General Brigham Personalized Medicine
Classification: Uncertain significance. Last evaluated: 2019-02-05. Review status: criteria provided, single submitter. Criteria: LMM Criteria. Collection method: clinical testing. Allele origin: germline. Observed: 1 variant allele.
Comment: Variant classified as Uncertain Significance - Favor Benign. The p.Ala353Thr variant in TMPRSS3 has not been previously reported in individuals with hearing loss but has been identified in 0.005% (1/18392) of East Asian chromosomes by gnomAD. Computational prediction tools and conservation analysis suggest that this variant may not impact the protein, though this information is not predictive enough to rule out pathogenicity. In summary, the clinical significance of this variant is uncertain. ACMG/AMP Criteria applied: PM2, BP4.

NM_001256317.3(TMPRSS3):c.1054G>A (p.Ala352Thr)

Gene: TMPRSS3 (transmembrane serine protease 3; minus strand). Cytogenetic location: 21q22.3.
Variant type: single nucleotide variant.
Coding change: c.1054G>A on transcript NM_001256317.3 (MANE Select); coding-DNA position 1054, G replaced by A.
Protein change: p.Ala352Thr; replaces alanine 352 with threonine.
Molecular consequence: missense variant.
Genome position (GRCh38, 1-based): chr21:42,376,678, C>T on the plus strand (G>A on the coding strand, the complement: TMPRSS3 is on the minus strand). VCF-style: chr21-42376678-C-T. GRCh37 (hg19) VCF-style: chr21-43796787-C-T.
Other names: c.1057G>A, p.Ala353Thr (NM_024022.4); c.676G>A, p.Ala226Thr (NM_032404.3); short protein forms A352T, A226T, A353T.
Identifiers: ClinVar variation 666937 (VCV000666937.6), dbSNP rs188750127, ClinGen allele CA10042348.